The following is an entry in ClinVar:

NM_001005361.3(DNM2):c.695T>C (p.Ile232Thr)

Gene: DNM2 (dynamin 2; plus strand). Cytogenetic location: 19p13.2.
Variant type: single nucleotide variant.
Coding change: c.695T>C on transcript NM_001005361.3 (MANE Select); coding-DNA position 695, T replaced by C.
Protein change: p.Ile232Thr; replaces isoleucine 232 with threonine.
Molecular consequence: missense variant.
Genome position (GRCh38, 1-based): chr19:10,782,966, T>C. VCF-style: chr19-10782966-T-C. GRCh37 (hg19) VCF-style: chr19-10893642-T-C.
Other names: c.695T>C, p.Ile232Thr (NM_001005360.3, NM_001005362.3, NM_001190716.2 and 1 more transcripts); short protein forms I232T.
Identifiers: ClinVar variation 656321 (VCV000656321.16), dbSNP rs749672066, ClinGen allele CA9200876.
Genomic context (GRCh38, chr19:10,782,966, plus strand): 5'-AGGTCCACTTGGCTCACCTAGCTTTGCCCCTGACCTGACTGCCTCTCCCCACAGGCTACA[T>C]TGGCGTGGTGAACCGCAGCCAGAAGGATATTGAGGGCAAGAAGGACATCCGTGCAGCACT-3'
Protein context (NP_001005361.1, residues 222-242): NKLLPLRRGY[Ile232Thr]GVVNRSQKDI

ClinVar aggregate classification (germline): Uncertain significance. Review status: criteria provided, multiple submitters, no conflicts (2 of 4 stars). 5 submissions from 5 submitters: Uncertain significance (5). Last evaluated 2026-09-10.

Conditions:
Autosomal dominant centronuclear myopathy. Also called: Myopathy, centronuclear, 3; MYOTUBULAR MYOPATHY, AUTOSOMAL DOMINANT. Identifiers: Orphanet 169189, MedGen C4551952, MeSH D020914, MONDO:0008048, OMIM 160150.
Charcot-Marie-Tooth disease dominant intermediate B (CMTDIB). Also called: CHARCOT-MARIE-TOOTH NEUROPATHY, DOMINANT INTERMEDIATE B; Charcot-Marie-Tooth disease dominant intermediate 1; CMT DI1; Charcot-Marie-Tooth disease dominant intermediate I. Identifiers: Orphanet 100044, Orphanet 228179, MedGen C1847902, MONDO:0011674, OMIM 606482.
DNM2-related disorder. Also called: DNM2-related condition.
Fetal akinesia-cerebral and retinal hemorrhage syndrome. Also called: Lethal congenital contracture syndrome 5; MYOPATHY, CENTRONUCLEAR, LETHAL, AUTOSOMAL RECESSIVE. Identifiers: Orphanet 363409, MedGen C4706410, MONDO:0014149, OMIM 615368.

Allele frequency attached by ClinVar (database versions not stated): TOPMed 0.00001; ExAC 0.00005.
gnomAD v4.1: 31 of 1,613,964 alleles (0.0019%); highest among the groups gnomAD compares: South Asian, 0.0033%; no homozygotes.

Submissions (5):

PreventionGenetics, part of Exact Sciences
Classification: Uncertain significance for DNM2-related condition. Last evaluated: 2026-09-10. Review status: criteria provided, single submitter. Criteria: ACMG Guidelines, 2015. Collection method: clinical testing. Allele origin: germline.
Comment: The DNM2 c.695T>C variant is predicted to result in the amino acid substitution p.Ile232Thr. To our knowledge, this variant has not been reported in the literature. This variant is reported in 0.030% of alleles in individuals of Ashkenazi Jewish descent in gnomAD. At this time, the clinical significance of this variant is uncertain due to the absence of conclusive functional and genetic evidence.

Labcorp Genetics (formerly Invitae), Labcorp
Classification: Uncertain significance for Charcot-Marie-Tooth disease dominant intermediate B. Last evaluated: 2024-10-10. Review status: criteria provided, single submitter. Criteria: Invitae Variant Classification Sherloc (09022015). Collection method: clinical testing. Allele origin: germline.
Comment: This sequence change replaces isoleucine, which is neutral and non-polar, with threonine, which is neutral and polar, at codon 232 of the DNM2 protein (p.Ile232Thr). This variant is present in population databases (rs749672066, gnomAD 0.03%). This variant has not been reported in the literature in individuals affected with DNM2-related conditions. ClinVar contains an entry for this variant (Variation ID: 656321). Invitae Evidence Modeling of protein sequence and biophysical properties (such as structural, functional, and spatial information, amino acid conservation, physicochemical variation, residue mobility, and thermodynamic stability) has been performed for this missense variant. However, the output from this modeling did not meet the statistical confidence thresholds required to predict the impact of this variant on DNM2 protein function. In summary, the available evidence is currently insufficient to determine the role of this variant in disease. Therefore, it has been classified as a Variant of Uncertain Significance.

Department of Pathology and Laboratory Medicine, Sinai Health System
Classification: Uncertain significance for autosomal dominant centronuclear myopathy. Last evaluated: 2022-08-17. Review status: criteria provided, single submitter. Criteria: ACMG Guidelines, 2015. Collection method: research. Allele origin: germline.

Fulgent Genetics
Classification: Uncertain significance for Autosomal dominant centronuclear myopathy; Charcot-Marie-Tooth disease dominant intermediate B; Fetal akinesia-cerebral and retinal hemorrhage syndrome. Last evaluated: 2022-04-14. Review status: criteria provided, single submitter. Criteria: ACMG Guidelines, 2015. Collection method: clinical testing. Allele origin: unknown.

Mayo Clinic Laboratories, Mayo Clinic
Classification: Uncertain significance. Last evaluated: 2019-10-06. Review status: criteria provided, single submitter. Criteria: ACMG Guidelines, 2015. Collection method: clinical testing. Allele origin: germline. Observed: 1 variant allele.